The following is an entry in ClinVar:

NM_000179.3(MSH6):c.2297A>G (p.His766Arg)

Gene: MSH6 (mutS homolog 6; plus strand). Cytogenetic location: 2p16.3.
Variant type: single nucleotide variant.
Coding change: c.2297A>G on transcript NM_000179.3 (MANE Select); coding-DNA position 2297, A replaced by G.
Protein change: p.His766Arg; replaces histidine 766 with arginine.
Molecular consequence: missense variant.
Genome position (GRCh38, 1-based): chr2:47,800,280, A>G. VCF-style: chr2-47800280-A-G. GRCh37 (hg19) VCF-style: chr2-48027419-A-G.
Other names: c.1907A>G, p.His636Arg (NM_001281492.2); c.1391A>G, p.His464Arg (NM_001281493.2, NM_001281494.2); short protein forms H766R, H464R, H636R.
Identifiers: ClinVar variation 410386 (VCV000410386.14), dbSNP rs1060502870, ClinGen allele CA16610933.
Genomic context (GRCh38, chr2:47,800,280, plus strand): 5'-TTCTGAATGGAACAAATGGTTCTACTGAAGGAACCCTACTAGAGAGGGTTGATACTTGCC[A>G]TACTCCTTTTGGTAAGCGGCTCCTAAAGCAATGGCTTTGTGCCCCACTCTGTAACCATTA-3'
Protein context (NP_000170.1, residues 756-776): GTLLERVDTC[His766Arg]TPFGKRLLKQ

ClinVar aggregate classification (germline): Uncertain significance. Review status: criteria provided, multiple submitters, no conflicts (2 of 4 stars). 2 submissions from 2 submitters: Uncertain significance (2). Last evaluated 2023-08-19.

Conditions:
Hereditary cancer-predisposing syndrome. Also called: Tumor predisposition; Hereditary Cancer Syndrome; Hereditary neoplastic syndrome; Neoplastic Syndromes, Hereditary. Identifiers: Orphanet 140162, MedGen C0027672, MeSH D009386, MONDO:0015356.
Hereditary nonpolyposis colorectal neoplasms. Identifiers: MedGen C0009405, MeSH D003123.

Allele frequency attached by ClinVar (database versions not stated): gnomAD exomes 0.00001.

Submissions (2):

Labcorp Genetics (formerly Invitae), Labcorp
Classification: Uncertain significance for Hereditary nonpolyposis colorectal neoplasms. Last evaluated: 2023-08-19. Review status: criteria provided, single submitter. Criteria: Invitae Variant Classification Sherloc (09022015). Collection method: clinical testing. Allele origin: germline.
Comment: This variant has not been reported in the literature in individuals affected with MSH6-related conditions. In summary, the available evidence is currently insufficient to determine the role of this variant in disease. Therefore, it has been classified as a Variant of Uncertain Significance. Advanced modeling of protein sequence and biophysical properties (such as structural, functional, and spatial information, amino acid conservation, physicochemical variation, residue mobility, and thermodynamic stability) performed at Invitae indicates that this missense variant is not expected to disrupt MSH6 protein function. ClinVar contains an entry for this variant (Variation ID: 410386). This variant is not present in population databases (gnomAD no frequency). This sequence change replaces histidine, which is basic and polar, with arginine, which is basic and polar, at codon 766 of the MSH6 protein (p.His766Arg).

Ambry Genetics
Classification: Uncertain significance for Hereditary cancer-predisposing syndrome. Last evaluated: 2021-01-21. Review status: criteria provided, single submitter. Criteria: Ambry Variant Classification Scheme 2023. Collection method: clinical testing. Allele origin: germline.
Comment: The p.H766R variant (also known as c.2297A>G), located in coding exon 4 of the MSH6 gene, results from an A to G substitution at nucleotide position 2297. The histidine at codon 766 is replaced by arginine, an amino acid with highly similar properties. This amino acid position is not well conserved in available vertebrate species. In addition, this alteration is predicted to be tolerated by in silico analysis. Since supporting evidence is limited at this time, the clinical significance of this alteration remains unclear.